The following is an entry in ClinVar:

ClinVar aggregate classification (germline): Uncertain significance (1 of 4 stars; one submission).

Submission:

Labcorp Genetics (formerly Invitae), Labcorp
Classification: Uncertain significance. Last evaluated: 2022-06-10. Review status: criteria provided, single submitter. Criteria: Invitae Variant Classification Sherloc (09022015). Collection method: clinical testing. Allele origin: germline.
Comment: In summary, the available evidence is currently insufficient to determine the role of this variant in disease. Therefore, it has been classified as a Variant of Uncertain Significance. Algorithms developed to predict the effect of missense changes on protein structure and function are either unavailable or do not agree on the potential impact of this missense change (SIFT: "Deleterious"; PolyPhen-2: "Possibly Damaging"; Align-GVGD: "Class C0"). This variant has not been reported in the literature in individuals affected with COL10A1-related conditions. This variant is not present in population databases (gnomAD no frequency). This sequence change replaces tyrosine, which is neutral and polar, with asparagine, which is neutral and polar, at codon 623 of the COL10A1 protein (p.Tyr623Asn).

NM_000493.4(COL10A1):c.1867T>A (p.Tyr623Asn)

Genes: COL10A1 (collagen type X alpha 1 chain; minus strand), NT5DC1 (5'-nucleotidase domain containing 1; plus strand). Cytogenetic location: 6q22.1.
Variant type: single nucleotide variant.
Coding change: c.1867T>A on transcript NM_000493.4 (MANE Select); coding-DNA position 1867, T replaced by A.
Protein change: p.Tyr623Asn; replaces tyrosine 623 with asparagine.
Molecular consequence: missense variant. On other transcripts: intron variant (1).
Genome position (GRCh38, 1-based): chr6:116,120,249, A>T on the plus strand (T>A on the coding strand, the complement: COL10A1 is on the minus strand). VCF-style: chr6-116120249-A-T. GRCh37 (hg19) VCF-style: chr6-116441412-A-T.
Other names: c.1867T>A, p.Tyr623Asn (NM_001424106.1, NM_001424107.1); c.529+2304A>T (NM_152729.3); short protein forms Y623N.
Identifiers: ClinVar variation 2004467 (VCV002004467.4), dbSNP rs2534084160, ClinGen allele CA365386592.